The following is an entry in ClinVar:

NM_000435.3(NOTCH3):c.1902C>T (p.Cys634=)

Gene: NOTCH3 (notch receptor 3; minus strand). Cytogenetic location: 19p13.12.
Variant type: single nucleotide variant.
Coding change: c.1902C>T on transcript NM_000435.3 (MANE Select); coding-DNA position 1902, C replaced by T.
Protein change: p.Cys634=; no amino-acid change (cysteine 634 retained).
Molecular consequence: synonymous variant.
Genome position (GRCh38, 1-based): chr19:15,186,927, G>A on the plus strand (C>T on the coding strand, the complement: NOTCH3 is on the minus strand). VCF-style: chr19-15186927-G-A. GRCh37 (hg19) VCF-style: chr19-15297738-G-A.
Identifiers: ClinVar variation 4682445 (VCV004682445.1).
Genomic context (GRCh38, chr19:15,186,927, plus strand): 5'-CACTTGCCCACCTGTGAAGCCAGGTTGGCAGACACAGTCGTAGCGGTTGATGCCATCACG[G>A]CAGACTCCAAAGGTGCAGGGGTTGCTGGCACAGTCGTCAATGTTCACTTCGCAGTTCACA-3'
Protein context (NP_000426.2, residues 624-644): CASNPCTFGV[Cys634=]RDGINRYDCV

ClinVar aggregate classification (germline): Likely benign (1 of 4 stars; one submission).

Submission:

Athena Diagnostics
Classification: Likely benign. Last evaluated: 2024-12-31. Review status: criteria provided, single submitter. Criteria: Athena Diagnostics Criteria. Collection method: clinical testing. Allele origin: unknown.
Comment: This variant has not been reported in large, multi-ethnic general populations. Computational tools yielded predictions that this variant is unlikely to have an effect on normal RNA splicing. This nucleotide position exhibits low evolutionary conservation. This variant has been seen where an alternate explanation for disease was also identified.